The following is an entry in ClinVar:

NM_001377.3(DYNC2H1):c.7476T>A (p.Tyr2492Ter)

Gene: DYNC2H1 (dynein cytoplasmic 2 heavy chain 1; plus strand). Cytogenetic location: 11q22.3.
Variant type: single nucleotide variant.
Coding change: c.7476T>A on transcript NM_001377.3 (MANE Select); coding-DNA position 7476, T replaced by A.
Protein change: p.Tyr2492Ter; replaces tyrosine 2492 with a stop codon.
Molecular consequence: nonsense.
Genome position (GRCh38, 1-based): chr11:103,191,555, T>A. VCF-style: chr11-103191555-T-A. GRCh37 (hg19) VCF-style: chr11-103062284-T-A.
Other names: c.7476T>A, p.Tyr2492Ter (NM_001080463.2); short protein forms Y2492*.
Identifiers: ClinVar variation 5013900 (VCV005013900.1).
Genomic context (GRCh38, chr11:103,191,555, plus strand): 5'-TTTACTGTATTTTCTTTTTCAGGTGCGAGCCAAATTTACAGTTGATGATTATAGTCACTA[T>A]TTCTTTACTCCTTGCATTCTTACCCAATGGGTTCTTGGCTTATTTAGATATGATTTAGAA-3'

ClinVar aggregate classification (germline): Pathogenic (1 of 4 stars; one submission).

Conditions:
Asphyxiating thoracic dystrophy 3. Also called: Saldino-Noonan Syndrome; SHORT-RIB THORACIC DYSPLASIA 3 WITH OR WITHOUT POLYDACTYLY; POLYDACTYLY WITH NEONATAL CHONDRODYSTROPHY, TYPE I; SHORT-RIB THORACIC DYSPLASIA 3/6 WITH POLYDACTYLY, DIGENIC; Short rib polydactyly syndrome 2B. Identifiers: Orphanet 474, Orphanet 93269, Orphanet 93270, Orphanet 93271, MedGen C0036069, MONDO:0013127, OMIM 613091.

Submission:

Myriad Genetics, Inc.
Classification: Pathogenic for Asphyxiating thoracic dystrophy 3. Last evaluated: 2024-12-31. Review status: criteria provided, single submitter. Criteria: Myriad Autosomal Dominant, Autosomal Recessive and X-Linked Classification Criteria (2023). Collection method: clinical testing. Allele origin: unknown.
Comment: NM_001377.2(DYNC2H1):c.7476T>A(Y2492*) is expected to be pathogenic in the context of DYNC2H1-related disorders. This variant is predicted to lead to an abnormal or absent protein product due to the creation of a premature termination codon in DYNC2H1, a gene where loss-of-function variants are known to be pathogenic. Please note: this variant was assessed in the context of healthy population screening.